The following is an entry in ClinVar:

NM_001364905.1(LRBA):c.2554A>T (p.Asn852Tyr)

Gene: LRBA (LPS responsive beige-like anchor protein; minus strand). Cytogenetic location: 4q31.3.
Variant type: single nucleotide variant.
Coding change: c.2554A>T on transcript NM_001364905.1 (MANE Select); coding-DNA position 2554, A replaced by T.
Protein change: p.Asn852Tyr; replaces asparagine 852 with tyrosine.
Molecular consequence: missense variant.
Genome position (GRCh38, 1-based): chr4:150,868,201, T>A on the plus strand (A>T on the coding strand, the complement: LRBA is on the minus strand). VCF-style: chr4-150868201-T-A. GRCh37 (hg19) VCF-style: chr4-151789353-T-A.
Other names: c.2554A>T, p.Asn852Tyr (NM_001199282.3, NM_001367550.1, NM_006726.5); short protein forms N852Y.
Identifiers: ClinVar variation 1364343 (VCV001364343.6), dbSNP rs765698270, ClinGen allele CA3103213.

ClinVar aggregate classification (germline): Uncertain significance. Review status: criteria provided, multiple submitters, no conflicts (2 of 4 stars). 2 submissions from 2 submitters: Uncertain significance (2). Last evaluated 2022-07-05.

Conditions:
Combined immunodeficiency due to LRBA deficiency. Also called: Common variable immunodeficiency 8, with autoimmunity. Identifiers: Orphanet 445018, MedGen C3553512, MONDO:0013863, OMIM 614700.

Allele frequency attached by ClinVar (database versions not stated): TOPMed below 0.00001; ExAC 0.00001; gnomAD 0.00001.
gnomAD v4.1: 8 of 1,612,016 alleles (0.0005%); highest among the groups gnomAD compares: Non-Finnish European, 0.00068%; no homozygotes.

Submissions (2):

Labcorp Genetics (formerly Invitae), Labcorp
Classification: Uncertain significance for Combined immunodeficiency due to LRBA deficiency. Last evaluated: 2022-07-05. Review status: criteria provided, single submitter. Criteria: Invitae Variant Classification Sherloc (09022015). Collection method: clinical testing. Allele origin: germline.
Comment: This sequence change replaces asparagine, which is neutral and polar, with tyrosine, which is neutral and polar, at codon 852 of the LRBA protein (p.Asn852Tyr). This variant is present in population databases (rs765698270, gnomAD 0.0009%). This variant has not been reported in the literature in individuals affected with LRBA-related conditions. ClinVar contains an entry for this variant (Variation ID: 1364343). Algorithms developed to predict the effect of missense changes on protein structure and function are either unavailable or do not agree on the potential impact of this missense change (SIFT: "Tolerated"; PolyPhen-2: "Probably Damaging"; Align-GVGD: "Class C0"). In summary, the available evidence is currently insufficient to determine the role of this variant in disease. Therefore, it has been classified as a Variant of Uncertain Significance.

Blueprint Genetics
Classification: Uncertain significance. Last evaluated: 2019-10-31. Review status: criteria provided, single submitter. Criteria: ACMG Guidelines, 2015. Collection method: clinical testing. Allele origin: germline.